The following is an entry in ClinVar:

NM_001754.5(RUNX1):c.805+19C>G

Gene: RUNX1 (RUNX family transcription factor 1; minus strand). Cytogenetic location: 21q22.12.
Variant type: single nucleotide variant.
Coding change: c.805+19C>G on transcript NM_001754.5 (MANE Select); 19 bases into the intron after coding-DNA position 805, C replaced by G.
Molecular consequence: intron variant.
Genome position (GRCh38, 1-based): chr21:34,834,391, G>C on the plus strand (C>G on the coding strand, the complement: RUNX1 is on the minus strand). VCF-style: chr21-34834391-G-C. GRCh37 (hg19) VCF-style: chr21-36206688-G-C.
Other names: c.724+19C>G (NM_001001890.3, NM_001122607.2).
Identifiers: ClinVar variation 2162841 (VCV002162841.5), dbSNP rs2517037341, ClinGen allele CA2580098623.

ClinVar aggregate classification (germline): Likely benign. Review status: reviewed by expert panel (3 of 4 stars). 2 submissions from 2 submitters: Likely benign (1). 1 of the submissions does not count toward it. Last evaluated 2025-01-15.

Conditions:
Hereditary thrombocytopenia and hematologic cancer predisposition syndrome. Identifiers: Orphanet 71290, MedGen CN281654, MONDO:0011071.
Hereditary thrombocytopenia and hematological cancer predisposition syndrome associated with RUNX1. Also called: RUNX1 Familial Platelet Disorder with Associated Myeloid Malignancies; Familial Platelet Disorder with Propensity to Acute Myelogenous Leukemia; Familial thrombocytopenia with propensity to acute myelogenous leukemia; PLATELET DISORDER, ASPIRIN-LIKE. Identifiers: Orphanet 71290, MedGen C1832388, MeSH C563324, MONDO:0100083, OMIM 601399.

Submissions (2):

ClinGen Myeloid Malignancy Variant Curation Expert Panel
Classification: Likely benign for Hereditary thrombocytopenia and hematologic cancer predisposition syndrome. Last evaluated: 2025-01-15. Review status: reviewed by expert panel. Criteria: ClinGen MyeloMalig ACMG Specifications v2. Collection method: curation. Allele origin: germline. Inheritance: Autosomal dominant inheritance.
Comment: NM_001754.5(RUNX1):c.805+19C>G is an intronic variant which is completely absent from all population databases with at least 20x coverage for RUNX1 (PM2_Supporting). There is no predicted impact to splice consensus sequence nor the creation of new splice site and nucleotide is not highly conserved PhyloP score <2.0 (BP4, BP7). In summary, this variant meets criteria to be classified as likely benign. ACMG/AMP criteria applied, as specified by the Myeloid Malignancy Variant Curation Expert Panel for RUNX1: BP4, BP7, PM2_supporting.

Labcorp Genetics (formerly Invitae), Labcorp
Classification: Likely benign for Hereditary thrombocytopenia and hematological cancer predisposition syndrome associated with RUNX1. Last evaluated: 2022-08-20. Review status: criteria provided, single submitter. Criteria: Invitae Variant Classification Sherloc (09022015). Collection method: clinical testing. Allele origin: germline. Not counted in ClinVar's aggregate classification.